The following is an entry in ClinVar:

ClinVar aggregate classification (germline): Conflicting classifications of pathogenicity. Review status: criteria provided, conflicting classifications (1 of 4 stars). 4 submissions from 4 submitters: Uncertain significance (2); Likely benign (1). 1 of the submissions does not count toward it. Last evaluated 2025-02-03.

Conditions:
Polycystic kidney disease, adult type (PKD1). Also called: Polycystic Kidney, Autosomal Dominant; Polycystic Kidney Disease 1, Autosomal Dominant; Polycystic kidney disease 1; Polycystic kidney disease 1, severe; POLYCYSTIC KIDNEY DISEASE, ADULT, TYPE I; POLYCYSTIC KIDNEY DISEASE 1 WITH OR WITHOUT POLYCYSTIC LIVER DISEASE. Identifiers: MedGen C3149841, MONDO:0008263, OMIM 173900.

Allele frequency attached by ClinVar (database versions not stated): gnomAD 0.00020; ExAC 0.11137.

Submissions (4):

GeneDx
Classification: Uncertain significance. Last evaluated: 2025-02-03. Review status: criteria provided, single submitter. Criteria: GeneDx Variant Classification Process June 2021. Collection method: clinical testing. Allele origin: germline. Affected: yes.
Comment: In silico analysis supports that this missense variant has a deleterious effect on protein structure/function; This variant is associated with the following publications: (PMID: Saith2024[preprint], 31740684, 38971859, 33639313)

Blueprint Genetics
Classification: Likely benign. Last evaluated: 2024-11-27. Review status: criteria provided, single submitter. Criteria: ACMG Guidelines, 2015. Collection method: clinical testing. Allele origin: germline.

Neuberg Centre For Genomic Medicine, NCGM
Classification: Uncertain significance for Polycystic kidney disease, adult type. Review status: criteria provided, single submitter. Criteria: ACMG Guidelines, 2015. Collection method: clinical testing. Allele origin: germline. Inheritance: Autosomal dominant inheritance. Affected: yes.
Comment: The missense variant p.P694L in PKD1 (NM_001009944.3) has not been reported previously as a pathogenic variant nor as a benign variant, to our knowledge. Although the variant is present at 2.4349% in gnomAD Exomes, it has the flag "Failed Random Forest" and may not represent the true population frequency. The p.P694L variant is novel (not in any individuals) in 1000 Genomes. There is a moderate physicochemical difference between proline and leucine. The p.P694L missense variant is predicted to be damaging by both SIFT and PolyPhen2. The proline residue at codon 694 of PKD1 is conserved in all mammalian species. The nucleotide c.2081 in PKD1 is predicted conserved by GERP++ and PhyloP across 100 vertebrates. For these reasons, this variant has been classified as Uncertain Significance.

Genetic Services Laboratory, University of Chicago
Classification: Benign. Last evaluated: 2022-08-25. Review status: no assertion criteria provided. Collection method: clinical testing. Allele origin: germline. Affected: no. Not counted in ClinVar's aggregate classification.

NM_001009944.3(PKD1):c.2081C>T (p.Pro694Leu)

Gene: PKD1 (polycystin 1, transient receptor potential channel interacting; minus strand). Cytogenetic location: 16p13.3.
Variant type: single nucleotide variant.
Coding change: c.2081C>T on transcript NM_001009944.3 (MANE Select); coding-DNA position 2081, C replaced by T.
Protein change: p.Pro694Leu; replaces proline 694 with leucine.
Molecular consequence: missense variant.
Genome position (GRCh38, 1-based): chr16:2,115,394, G>A on the plus strand (C>T on the coding strand, the complement: PKD1 is on the minus strand). VCF-style: chr16-2115394-G-A. GRCh37 (hg19) VCF-style: chr16-2165395-G-A.
Other names: c.2081C>T, p.Pro694Leu (NM_000296.4); short protein forms P694L.
Identifiers: ClinVar variation 2443208 (VCV002443208.4), dbSNP rs138575342, ClinGen allele CA7833291.